The following is an entry in ClinVar:

NM_000041.4(APOE):c.544G>C (p.Ala182Pro)

Gene: APOE (apolipoprotein E; plus strand). Cytogenetic location: 19q13.32.
Variant type: single nucleotide variant.
Coding change: c.544G>C on transcript NM_000041.4 (MANE Select); coding-DNA position 544, G replaced by C.
Protein change: p.Ala182Pro; replaces alanine 182 with proline.
Molecular consequence: missense variant.
Genome position (GRCh38, 1-based): chr19:44,908,840, G>C. VCF-style: chr19-44908840-G-C. GRCh37 (hg19) VCF-style: chr19-45412097-G-C.
Other names: c.622G>C, p.Ala208Pro (NM_001302688.2); c.544G>C, p.Ala182Pro (NM_001302689.2, NM_001302690.2, NM_001302691.2); short protein forms A182P, A208P.
Identifiers: ClinVar variation 2562132 (VCV002562132.2), dbSNP rs796443813, ClinGen allele CA308885811.

ClinVar aggregate classification (germline): Uncertain significance (1 of 4 stars; one submission).

Conditions:
Cardiovascular phenotype. Identifiers: MedGen CN230736.

Allele frequency attached by ClinVar (database versions not stated): gnomAD exomes below 0.00001; TOPMed below 0.00001; gnomAD 0.00001.

Submission:

Ambry Genetics
Classification: Uncertain significance for Cardiovascular phenotype. Last evaluated: 2023-05-05. Review status: criteria provided, single submitter. Criteria: Ambry Variant Classification Scheme 2023. Collection method: clinical testing. Allele origin: germline.
Comment: The p.A182P variant (also known as c.544G>C), located in coding exon 3 of the APOE gene, results from a G to C substitution at nucleotide position 544. The alanine at codon 182 is replaced by proline, an amino acid with highly similar properties. This amino acid position is conserved. In addition, this alteration is predicted to be tolerated by in silico analysis. Since supporting evidence is limited at this time, the clinical significance of this alteration remains unclear.